The following is an entry in ClinVar:

NM_022489.4(INF2):c.3374G>C (p.Gly1125Ala)

Gene: INF2 (inverted formin 2; plus strand). Cytogenetic location: 14q32.33.
Variant type: single nucleotide variant.
Coding change: c.3374G>C on transcript NM_022489.4 (MANE Select); coding-DNA position 3374, G replaced by C.
Protein change: p.Gly1125Ala; replaces glycine 1125 with alanine.
Molecular consequence: missense variant.
Genome position (GRCh38, 1-based): chr14:104,714,536, G>C. VCF-style: chr14-104714536-G-C. GRCh37 (hg19) VCF-style: chr14-105180873-G-C.
Other names: c.3374G>C, p.Gly1125Ala (NM_001031714.4, NM_001426862.1, NM_001426863.1 and 2 more transcripts); short protein forms G1125A.
Identifiers: ClinVar variation 2927715 (VCV002927715.3), dbSNP rs2541952463, ClinGen allele CA391224218.

ClinVar aggregate classification (germline): Uncertain significance (1 of 4 stars; one submission).

Conditions:
Charcot-Marie-Tooth disease dominant intermediate E. Also called: CHARCOT-MARIE-TOOTH NEUROPATHY WITH FOCAL SEGMENTAL GLOMERULONEPHRITIS. Identifiers: Orphanet 93114, MedGen C4302667, MONDO:0013758, OMIM 614455.
Focal segmental glomerulosclerosis 5 (FSGS5). Identifiers: Orphanet 656, MedGen C2750475, MONDO:0013191, OMIM 613237.

Submission:

Labcorp Genetics (formerly Invitae), Labcorp
Classification: Uncertain significance for Charcot-Marie-Tooth disease dominant intermediate E; Focal segmental glomerulosclerosis 5. Last evaluated: 2023-12-20. Review status: criteria provided, single submitter. Criteria: Invitae Variant Classification Sherloc (09022015). Collection method: clinical testing. Allele origin: germline.
Comment: This sequence change replaces glycine, which is neutral and non-polar, with alanine, which is neutral and non-polar, at codon 1125 of the INF2 protein (p.Gly1125Ala). This variant is not present in population databases (gnomAD no frequency). This variant has not been reported in the literature in individuals affected with INF2-related conditions. Advanced modeling of protein sequence and biophysical properties (such as structural, functional, and spatial information, amino acid conservation, physicochemical variation, residue mobility, and thermodynamic stability) performed at Invitae indicates that this missense variant is not expected to disrupt INF2 protein function with a negative predictive value of 95%. In summary, the available evidence is currently insufficient to determine the role of this variant in disease. Therefore, it has been classified as a Variant of Uncertain Significance.